The following is an entry in ClinVar:

ClinVar aggregate classification (germline): Uncertain significance (1 of 4 stars; one submission).

Conditions:
Charcot-Marie-Tooth disease axonal type 2O. Also called: CHARCOT-MARIE-TOOTH NEUROPATHY, AXONAL, TYPE 2O; CHARCOT-MARIE-TOOTH DISEASE, AXONAL, AUTOSOMAL DOMINANT, TYPE 2O; Charcot-Marie-Tooth Neuropathy Type 2O; Charcot-Marie-Tooth disease, axonal, type 20. Identifiers: Orphanet 284232, MedGen C3280220, MONDO:0013644, OMIM 614228.

Submission:

Labcorp Genetics (formerly Invitae), Labcorp
Classification: Uncertain significance for Charcot-Marie-Tooth disease axonal type 2O. Last evaluated: 2025-06-29. Review status: criteria provided, single submitter. Criteria: Invitae Variant Classification Sherloc (09022015). Collection method: clinical testing. Allele origin: germline.
Comment: This sequence change affects codon 1118 of the DYNC1H1 mRNA. It is a 'silent' change, meaning that it does not change the encoded amino acid sequence of the DYNC1H1 protein. This variant is not present in population databases (gnomAD no frequency). This variant has not been reported in the literature in individuals affected with DYNC1H1-related conditions. Algorithms developed to predict the effect of sequence changes on RNA splicing suggest that this variant may disrupt the consensus splice site. In summary, the available evidence is currently insufficient to determine the role of this variant in disease. Therefore, it has been classified as a Variant of Uncertain Significance.

NM_001376.5(DYNC1H1):c.3354G>A (p.Leu1118=)

Gene: DYNC1H1 (dynein cytoplasmic 1 heavy chain 1; plus strand). Cytogenetic location: 14q32.31.
Variant type: single nucleotide variant.
Coding change: c.3354G>A on transcript NM_001376.5 (MANE Select); coding-DNA position 3354, G replaced by A.
Protein change: p.Leu1118=; no amino-acid change (leucine 1118 retained).
Molecular consequence: synonymous variant.
Genome position (GRCh38, 1-based): chr14:101,995,006, G>A. VCF-style: chr14-101995006-G-A. GRCh37 (hg19) VCF-style: chr14-102461343-G-A.
Identifiers: ClinVar variation 4722294 (VCV004722294.1).